The following is an entry in ClinVar:

ClinVar aggregate classification (germline): Uncertain significance (1 of 4 stars; one submission).

Conditions:
Inborn genetic diseases. Identifiers: MedGen C0950123, MeSH D030342.

Allele frequency attached by ClinVar (database versions not stated): ExAC 0.00001.

Submission:

Ambry Genetics
Classification: Uncertain significance for Inborn genetic diseases. Last evaluated: 2021-11-06. Review status: criteria provided, single submitter. Criteria: Ambry Variant Classification Scheme 2023. Collection method: clinical testing. Allele origin: germline.
Comment: The p.H1405Q variant (also known as c.4215T>A), located in coding exon 30 of the LRRK2 gene, results from a T to A substitution at nucleotide position 4215. The histidine at codon 1405 is replaced by glutamine, an amino acid with highly similar properties. This amino acid position is conserved. In addition, this alteration is predicted to be deleterious by in silico analysis. Since supporting evidence is limited at this time, the clinical significance of this alteration remains unclear.

NM_198578.4(LRRK2):c.4215T>A (p.His1405Gln)

Gene: LRRK2 (leucine rich repeat kinase 2; plus strand). Cytogenetic location: 12q12.
Variant type: single nucleotide variant.
Coding change: c.4215T>A on transcript NM_198578.4 (MANE Select); coding-DNA position 4215, T replaced by A.
Protein change: p.His1405Gln; replaces histidine 1405 with glutamine.
Molecular consequence: missense variant.
Genome position (GRCh38, 1-based): chr12:40,309,131, T>A. VCF-style: chr12-40309131-T-A. GRCh37 (hg19) VCF-style: chr12-40702933-T-A.
Other names: short protein forms H1405Q.
Identifiers: ClinVar variation 1738775 (VCV001738775.2), dbSNP rs766718024, ClinGen allele CA6514117.